The following is an entry in ClinVar:

ClinVar aggregate classification (germline): Uncertain significance (1 of 4 stars; one submission).

Conditions:
H syndrome. Also called: Asrar Facharzt Haque syndrome; Histiocytosis with joint contractures and sensorineural deafness; FAISALABAD HISTIOCYTOSIS; Pigmented hypertrichosis and insulin-dependent diabetes mellitus; HISTIOCYTOSIS AND LYMPHADENOPATHY WITH OR WITHOUT CUTANEOUS, CARDIAC, AND/OR ENDOCRINE FEATURES, JOINT CONTRACTURES, AND/OR DEAFNESS; HYPERPIGMENTATION, CUTANEOUS, WITH HYPERTRICHOSIS, HEPATOSPLENOMEGALY, HEART ANOMALIES, AND HYPOGONADISM WITH OR WITHOUT HEARING LOSS. Identifiers: Orphanet 168569, MedGen C1864445, MONDO:0011273, OMIM 602782.

gnomAD v4.1: 5 of 1,614,098 alleles (0.00031%); highest among the groups gnomAD compares: Admixed American, 0.0083%; no homozygotes.

Submission:

Labcorp Genetics (formerly Invitae), Labcorp
Classification: Uncertain significance for H syndrome. Last evaluated: 2023-12-07. Review status: criteria provided, single submitter. Criteria: Invitae Variant Classification Sherloc (09022015). Collection method: clinical testing. Allele origin: germline.
Comment: This sequence change replaces alanine, which is neutral and non-polar, with serine, which is neutral and polar, at codon 416 of the SLC29A3 protein (p.Ala416Ser). This variant is present in population databases (rs372271971, gnomAD 0.009%). This variant has not been reported in the literature in individuals affected with SLC29A3-related conditions. ClinVar contains an entry for this variant (Variation ID: 2072826). Advanced modeling of protein sequence and biophysical properties (such as structural, functional, and spatial information, amino acid conservation, physicochemical variation, residue mobility, and thermodynamic stability) performed at Invitae indicates that this missense variant is not expected to disrupt SLC29A3 protein function with a negative predictive value of 80%. In summary, the available evidence is currently insufficient to determine the role of this variant in disease. Therefore, it has been classified as a Variant of Uncertain Significance.

NM_018344.6(SLC29A3):c.1246G>T (p.Ala416Ser)

Gene: SLC29A3 (solute carrier family 29 member 3; plus strand). Cytogenetic location: 10q22.1.
Variant type: single nucleotide variant.
Coding change: c.1246G>T on transcript NM_018344.6 (MANE Select); coding-DNA position 1246, G replaced by T.
Protein change: p.Ala416Ser; replaces alanine 416 with serine.
Molecular consequence: missense variant. On other transcripts: 3 prime UTR variant (1), non-coding transcript variant (2).
Genome position (GRCh38, 1-based): chr10:71,362,426, G>T. VCF-style: chr10-71362426-G-T. GRCh37 (hg19) VCF-style: chr10-73122183-G-T.
Other names: c.*475G>T (NM_001174098.2); c.1012G>T, p.Ala338Ser (NM_001363518.2); short protein forms A338S, A416S.
Identifiers: ClinVar variation 2072826 (VCV002072826.2), dbSNP rs372271971, ClinGen allele CA5543167.